The following is an entry in ClinVar:

NM_025114.4(CEP290):c.6933C>G (p.Asn2311Lys)

Gene: CEP290 (centrosomal protein 290; minus strand). Cytogenetic location: 12q21.32.
Variant type: single nucleotide variant.
Coding change: c.6933C>G on transcript NM_025114.4 (MANE Select); coding-DNA position 6933, C replaced by G.
Protein change: p.Asn2311Lys; replaces asparagine 2311 with lysine.
Molecular consequence: missense variant.
Genome position (GRCh38, 1-based): chr12:88,055,603, G>C on the plus strand (C>G on the coding strand, the complement: CEP290 is on the minus strand). VCF-style: chr12-88055603-G-C. GRCh37 (hg19) VCF-style: chr12-88449380-G-C.
Other names: short protein forms N2311K.
Identifiers: ClinVar variation 2183817 (VCV002183817.1), dbSNP rs762012958, ClinGen allele CA6711405.
Genomic context (GRCh38, chr12:88,055,603, plus strand): 5'-TTTTATCATGTAAAGAAAAATTACGTTACTTACCTGTTGTTCAAGGTCTTCATTGTATTT[G>C]TTAACTTTTTGTTCTCTCTCTGTTGCTTCTTTTACAAGCTGTTTAAGGTCAGTAATGCTT-3'
Protein context (NP_079390.3, residues 2301-2321): KEATEREQKV[Asn2311Lys]KYNEDLEQQI

ClinVar aggregate classification (germline): Uncertain significance (1 of 4 stars; one submission).

Conditions:
Joubert syndrome. Also called: CEREBELLOPARENCHYMAL DISORDER IV; JOUBERT-BOLTSHAUSER SYNDROME; Familial aplasia of the vermis. Identifiers: Orphanet 475, MedGen C5979921, MONDO:0018772.
Nephronophthisis. Also called: Juvenile Nephronophthisis. Identifiers: Orphanet 655, MedGen C0687120, MONDO:0019005, HP:0000090.
Meckel-Gruber syndrome. Also called: DYSENCEPHALIA SPLANCHNOCYSTICA; GRUBER SYNDROME; Dysencephalia splachnocystica. Identifiers: Orphanet 564, MedGen C0265215, MONDO:0018921.

Allele frequency attached by ClinVar (database versions not stated): TOPMed below 0.00001; gnomAD 0.00001; gnomAD exomes 0.00001; ExAC 0.00005.
gnomAD v4.1: 15 of 1,579,420 alleles (0.00095%); highest among the groups gnomAD compares: South Asian, 0.0035%; no homozygotes.

Submission:

Labcorp Genetics (formerly Invitae), Labcorp
Classification: Uncertain significance for Joubert syndrome; Meckel-Gruber syndrome; Nephronophthisis. Last evaluated: 2022-08-22. Review status: criteria provided, single submitter. Criteria: Invitae Variant Classification Sherloc (09022015). Collection method: clinical testing. Allele origin: germline.
Comment: This sequence change replaces asparagine, which is neutral and polar, with lysine, which is basic and polar, at codon 2311 of the CEP290 protein (p.Asn2311Lys). This variant is present in population databases (rs762012958, gnomAD 0.003%). This variant has not been reported in the literature in individuals affected with CEP290-related conditions. Algorithms developed to predict the effect of missense changes on protein structure and function output the following: SIFT: "Tolerated"; PolyPhen-2: "Benign"; Align-GVGD: "Class C0". The lysine amino acid residue is found in multiple mammalian species, which suggests that this missense change does not adversely affect protein function. In summary, the available evidence is currently insufficient to determine the role of this variant in disease. Therefore, it has been classified as a Variant of Uncertain Significance.